The following is an entry in ClinVar:

ClinVar aggregate classification (germline): Uncertain significance (1 of 4 stars; one submission).

Submission:

Labcorp Genetics (formerly Invitae), Labcorp
Classification: Uncertain significance. Last evaluated: 2020-12-09. Review status: criteria provided, single submitter. Criteria: Invitae Variant Classification Sherloc (09022015). Collection method: clinical testing. Allele origin: germline.
Comment: In summary, the available evidence is currently insufficient to determine the role of this variant in disease. Therefore, it has been classified as a Variant of Uncertain Significance. Experimental studies and prediction algorithms are not available or were not evaluated, and the functional significance of this variant is currently unknown. This variant has been observed in individual(s) with clinical features of DLL1-related conditions (Invitae). This variant is not present in population databases (ExAC no frequency). This variant, c.1873_1882delinsA, is a complex sequence change that results in the deletion of four and insertion of one amino acid(s) in the DLL1 protein (p.His625_Asp628delinsAsn).

NM_005618.4(DLL1):c.1873_1882delinsA (p.His625_Asp628delinsAsn)

Gene: DLL1 (delta like canonical Notch ligand 1; minus strand). Cytogenetic location: 6q27.
Variant type: Indel.
Coding change: c.1873_1882delinsA on transcript NM_005618.4 (MANE Select); coding-DNA positions 1873 to 1882, CACAGCGCCG replaced by A.
Protein change: p.His625_Asp628delinsAsn.
Molecular consequence: inframe indel.
Genome position (GRCh38, 1-based): chr6:170,283,397-170,283,406, CGGCGCTGTG replaced by T on the plus strand (CACAGCGCCG replaced by A on the coding strand, the reverse complement: DLL1 is on the minus strand). VCF-style: chr6-170283397-CGGCGCTGTG-T. GRCh37 (hg19) VCF-style: chr6-170592485-CGGCGCTGTG-T.
Identifiers: ClinVar variation 3010816 (VCV003010816.3), dbSNP rs2483345628, ClinGen allele CA2740091545.